The following is an entry in ClinVar:

ClinVar aggregate classification (germline): Uncertain significance (1 of 4 stars; one submission).

Conditions:
Cardiovascular phenotype. Identifiers: MedGen CN230736.

Submission:

Ambry Genetics
Classification: Uncertain significance for Cardiovascular phenotype. Last evaluated: 2026-06-15. Review status: criteria provided, single submitter. Criteria: Ambry Variant Classification Scheme 2023. Collection method: clinical testing. Allele origin: germline.
Comment: The p.P315A variant (also known as c.943C>G), located in coding exon 7 of the LDB3 gene, results from a C to G substitution at nucleotide position 943. The proline at codon 315 is replaced by alanine, an amino acid with highly similar properties. This amino acid position is conserved. In addition, this alteration is predicted to be tolerated by in silico analysis. Based on the available evidence, the clinical significance of this variant remains unclear.

NM_007078.3(LDB3):c.943C>G (p.Pro315Ala)

Gene: LDB3 (LIM domain binding 3; plus strand). Cytogenetic location: 10q23.2.
Variant type: single nucleotide variant.
Coding change: c.943C>G on transcript NM_007078.3 (MANE Select); coding-DNA position 943, C replaced by G.
Protein change: p.Pro315Ala; replaces proline 315 with alanine.
Molecular consequence: missense variant. On other transcripts: intron variant (4).
Genome position (GRCh38, 1-based): chr10:86,706,577, C>G. VCF-style: chr10-86706577-C-G. GRCh37 (hg19) VCF-style: chr10-88466334-C-G.
Other names: c.802C>G, p.Pro268Ala (NM_001368066.1); c.897-3328C>G (NM_001368064.1, NM_001368065.1); c.1101-3328C>G (NM_001171610.2); c.756-3328C>G (NM_001080114.2); short protein forms P315A, P268A.
Identifiers: ClinVar variation 5023523 (VCV005023523.1).